The following is an entry in ClinVar:

ClinVar aggregate classification (germline): Uncertain significance (1 of 4 stars; one submission).

gnomAD v4.1: 5 of 1,600,592 alleles (0.00031%); highest among the groups gnomAD compares: South Asian, 0.0045%; no homozygotes.

Submission:

Ambry Genetics
Classification: Uncertain significance. Last evaluated: 2024-11-27. Review status: criteria provided, single submitter. Criteria: Ambry Variant Classification Scheme 2023. Collection method: clinical testing. Allele origin: germline.
Comment: The p.E401Q variant (also known as c.1201G>C), located in coding exon 8 of the RNF43 gene, results from a G to C substitution at nucleotide position 1201. The glutamic acid at codon 401 is replaced by glutamine, an amino acid with highly similar properties. This amino acid position is conserved. In addition, this alteration is predicted to be tolerated by in silico analysis. Based on the available evidence, the clinical significance of this variant remains unclear.

NM_017763.6(RNF43):c.1201G>C (p.Glu401Gln)

Gene: RNF43 (ring finger protein 43; minus strand). Cytogenetic location: 17q22.
Variant type: single nucleotide variant.
Coding change: c.1201G>C on transcript NM_017763.6 (MANE Select); coding-DNA position 1201, G replaced by C.
Protein change: p.Glu401Gln; replaces glutamic acid 401 with glutamine.
Molecular consequence: missense variant.
Genome position (GRCh38, 1-based): chr17:58,358,575, C>G on the plus strand (G>C on the coding strand, the complement: RNF43 is on the minus strand). VCF-style: chr17-58358575-C-G. GRCh37 (hg19) VCF-style: chr17-56435936-C-G.
Other names: c.1201G>C, p.Glu401Gln (NM_001305544.3); c.820G>C, p.Glu274Gln (NM_001305545.2); short protein forms E401Q, E274Q.
Identifiers: ClinVar variation 3434523 (VCV003434523.1).